The following is an entry in ClinVar:

NM_133433.4(NIPBL):c.6548A>G (p.His2183Arg)

Gene: NIPBL (NIPBL cohesin loading factor; plus strand). Cytogenetic location: 5p13.2.
Variant type: single nucleotide variant.
Coding change: c.6548A>G on transcript NM_133433.4 (MANE Select); coding-DNA position 6548, A replaced by G.
Protein change: p.His2183Arg; replaces histidine 2183 with arginine.
Molecular consequence: missense variant.
Genome position (GRCh38, 1-based): chr5:37,046,158, A>G. VCF-style: chr5-37046158-A-G. GRCh37 (hg19) VCF-style: chr5-37046260-A-G.
Other names: c.6548A>G, p.His2183Arg (NM_015384.5); short protein forms H2183R.
Identifiers: ClinVar variation 1809937 (VCV001809937.1), dbSNP rs2478597552, ClinGen allele CA359506002.
Genomic context (GRCh38, chr5:37,046,158, plus strand): 5'-CCTCCCCTTAGGTTAACATAAAAGATAAAGTACTTGAACTATTGATGTATTTTACAAAAC[A>G]CTCAGATGAAGAAGTACAAACAAAAGCTATCATTGGTCTAGGTAAGTCTAAATTTCTTTA-3'
Protein context (NP_597677.2, residues 2173-2193): VLELLMYFTK[His2183Arg]SDEEVQTKAI

ClinVar aggregate classification (germline): Uncertain significance (1 of 4 stars; one submission).

Submission:

GeneDx
Classification: Uncertain significance. Last evaluated: 2022-06-30. Review status: criteria provided, single submitter. Criteria: GeneDx Variant Classification Process June 2021. Collection method: clinical testing. Allele origin: germline. Affected: yes.
Comment: Not observed at significant frequency in large population cohorts (gnomAD); In silico analysis supports that this missense variant has a deleterious effect on protein structure/function; Has not been previously published as pathogenic or benign to our knowledge